The following is an entry in ClinVar:

NM_002941.4(ROBO1):c.26del (p.Leu9fs)

Gene: ROBO1 (roundabout guidance receptor 1; minus strand). Cytogenetic location: 3p12.3.
Variant type: Deletion.
Coding change: c.26del on transcript NM_002941.4 (MANE Select); coding-DNA position 26, one base deleted (T; older notation c.26delT).
Protein change: p.Leu9fs; shifts the reading frame from leucine 9.
Molecular consequence: frameshift variant.
Genome position (GRCh38, 1-based): chr3:79,589,886, A deleted on the plus strand (T on the coding strand, the reverse complement: ROBO1 is on the minus strand); the first of 6 consecutive A bases (chr3:79,589,886-79,589,891); deleting any one gives the same sequence. VCF-style (leftmost placement, unchanged base first): chr3-79589885-CA-C. GRCh37 (hg19) VCF-style: chr3-79639035-CA-C.
Other names: short protein forms L9fs.
Identifiers: ClinVar variation 4975170 (VCV004975170.1).

ClinVar aggregate classification (germline): Likely pathogenic (1 of 4 stars; one submission).

Submission:

GeneDx
Classification: Likely pathogenic. Last evaluated: 2026-02-09. Review status: criteria provided, single submitter. Criteria: GeneDx Variant Classification Process June 2021. Collection method: clinical testing. Allele origin: germline.
Comment: Frameshift variant predicted to result in protein truncation or nonsense mediated decay in a gene for which loss of function is a known mechanism of disease; Not observed at significant frequency in large population cohorts (gnomAD); Has not been previously published as pathogenic or benign to our knowledge